The following is an entry in ClinVar:

NM_007375.4(TARDBP):c.1233C>G (p.Gly411=)

Gene: TARDBP (TAR DNA binding protein; plus strand). Cytogenetic location: 1p36.22.
Variant type: single nucleotide variant.
Coding change: c.1233C>G on transcript NM_007375.4 (MANE Select); coding-DNA position 1233, C replaced by G.
Protein change: p.Gly411=; no amino-acid change (glycine 411 retained).
Molecular consequence: synonymous variant.
Genome position (GRCh38, 1-based): chr1:11,022,642, C>G. VCF-style: chr1-11022642-C-G. GRCh37 (hg19) VCF-style: chr1-11082699-C-G.
Identifiers: ClinVar variation 5041607 (VCV005041607.1).

ClinVar aggregate classification (germline): Likely benign (1 of 4 stars; one submission).

Submission:

CeGaT Center for Human Genetics Tuebingen
Classification: Likely benign. Last evaluated: 2026-09-01. Review status: criteria provided, single submitter. Criteria: CeGaT Center For Human Genetics Tuebingen Variant Classification Criteria Version 2. Collection method: clinical testing. Allele origin: germline. Affected: yes. Observed: 1 variant allele.
Comment: TARDBP: BP4, BP7